The following is an entry in ClinVar:

ClinVar aggregate classification (germline): Pathogenic. Review status: criteria provided, multiple submitters, no conflicts (2 of 4 stars). 2 submissions from 2 submitters: Pathogenic (2). Last evaluated 2025-04-07.

Conditions:
Lesch-Nyhan syndrome (LNS). Also called: HPRT DEFICIENCY, COMPLETE; Lesch-Nyhan Disease (LND). Identifiers: Orphanet 510, MedGen C0023374, MONDO:0010298, OMIM 300322.
Partial hypoxanthine-guanine phosphoribosyltransferase deficiency. Also called: Kelley-Seegmiller Syndrome; GOUT, HPRT-RELATED; HPRT DEFICIENCY, PARTIAL; HYPOXANTHINE GUANINE PHOSPHORIBOSYLTRANSFERASE 1 DEFICIENCY, PARTIAL; HPRT1 DEFICIENCY, PARTIAL. Identifiers: Orphanet 79233, MedGen C0268117, MONDO:0010299, OMIM 300323.

Submissions (4):

Labcorp Genetics (formerly Invitae), Labcorp
Classification: Pathogenic for Lesch-Nyhan syndrome; Partial hypoxanthine-guanine phosphoribosyltransferase deficiency. Last evaluated: 2025-04-07. Review status: criteria provided, single submitter. Criteria: Invitae Variant Classification Sherloc (09022015). Collection method: clinical testing. Allele origin: germline.
Comment: This sequence change affects an acceptor splice site in intron 6 of the HPRT1 gene. It is expected to disrupt RNA splicing. Variants that disrupt the donor or acceptor splice site typically lead to a loss of protein function (PMID: 16199547), and loss-of-function variants in HPRT1 are known to be pathogenic (PMID: 15571220, 17027311, 22157001). This variant is not present in population databases (gnomAD no frequency). Disruption of this splice site has been observed in individuals with Lesch-Nyhan syndrome (PMID: 15505382, 23975452). This variant is also known as IVS7-1G>A. ClinVar contains an entry for this variant (Variation ID: 92604). Algorithms developed to predict the effect of sequence changes on RNA splicing suggest that this variant may disrupt the consensus splice site. For these reasons, this variant has been classified as Pathogenic.

Eurofins Ntd Llc (ga)
Classification: Pathogenic. Last evaluated: 2013-10-22. Review status: criteria provided, single submitter. Criteria: EGL Classification Definitions 2015. Collection method: clinical testing. Allele origin: germline. Observed: 1 variant allele, 1 hemizygote.

Dr. Peter K. Rogan Lab, Western University
No classification provided (evidence only). Condition: Thyroid cancer, nonmedullary, 1. Review status: no classification provided. Collection method: in vitro. Allele origin: not applicable. Functional consequence: retained intron. Not counted in ClinVar's aggregate classification.

Dr. Peter K. Rogan Lab, Western University
No classification provided (evidence only). Condition: Nonpapillary renal cell carcinoma. Review status: no classification provided. Collection method: in vitro. Allele origin: not applicable. Functional consequence: retained intron. Not counted in ClinVar's aggregate classification.

Literature cited by the submitters: PubMed 16199547 (cited by Labcorp Genetics (formerly Invitae), Labcorp); PubMed 15571220 (cited by Labcorp Genetics (formerly Invitae), Labcorp); PubMed 17027311 (cited by Labcorp Genetics (formerly Invitae), Labcorp); PubMed 22157001 (cited by Labcorp Genetics (formerly Invitae), Labcorp); PubMed 15505382 (cited by Labcorp Genetics (formerly Invitae), Labcorp); PubMed 23975452 (cited by Labcorp Genetics (formerly Invitae), Labcorp and Eurofins Ntd Llc (ga)).

NM_000194.3(HPRT1):c.486-1G>A

Gene: HPRT1 (hypoxanthine phosphoribosyltransferase 1; plus strand). Cytogenetic location: Xq26.2.
Variant type: single nucleotide variant.
Coding change: c.486-1G>A on transcript NM_000194.3 (MANE Select); the canonical splice acceptor site of the intron before coding-DNA position 486, G replaced by A.
Molecular consequence: splice acceptor variant.
Genome position (GRCh38, 1-based): chrX:134,498,389, G>A. VCF-style: chrX-134498389-G-A. GRCh37 (hg19) VCF-style: chrX-133632419-G-A.
Identifiers: ClinVar variation 92604 (VCV000092604.11), dbSNP rs398123241, ClinGen allele CA220478.
Genomic context (GRCh38, chrX:134,498,389, plus strand): 5'-TCTCTTTTGTAATGCCCTGTAGTCTCTCTGTATGTTATATGTCACATTTTGTAATTAACA[G>A]CTTGCTGGTGAAAAGGACCCCACGAAGTGTTGGATATAAGCCAGACTGTAAGTGAATTAC-3'